The following is an entry in ClinVar:

ClinVar aggregate classification (germline): Uncertain significance (1 of 4 stars; one submission).

Submission:

Labcorp Genetics (formerly Invitae), Labcorp
Classification: Uncertain significance. Last evaluated: 2022-05-30. Review status: criteria provided, single submitter. Criteria: Invitae Variant Classification Sherloc (09022015). Collection method: clinical testing. Allele origin: germline.
Comment: In summary, the available evidence is currently insufficient to determine the role of this variant in disease. Therefore, it has been classified as a Variant of Uncertain Significance. This sequence change replaces leucine, which is neutral and non-polar, with methionine, which is neutral and non-polar, at codon 248 of the CSF2RB protein (p.Leu248Met). This variant is not present in population databases (gnomAD no frequency). This variant has not been reported in the literature in individuals affected with CSF2RB-related conditions. Algorithms developed to predict the effect of missense changes on protein structure and function are either unavailable or do not agree on the potential impact of this missense change (SIFT: "Deleterious"; PolyPhen-2: "Probably Damaging"; Align-GVGD: "Class C0").

NM_000395.3(CSF2RB):c.742C>A (p.Leu248Met)

Gene: CSF2RB (colony stimulating factor 2 receptor subunit beta; plus strand). Cytogenetic location: 22q12.3.
Variant type: single nucleotide variant.
Coding change: c.742C>A on transcript NM_000395.3 (MANE Select); coding-DNA position 742, C replaced by A.
Protein change: p.Leu248Met; replaces leucine 248 with methionine.
Molecular consequence: missense variant.
Genome position (GRCh38, 1-based): chr22:36,930,398, C>A. VCF-style: chr22-36930398-C-A. GRCh37 (hg19) VCF-style: chr22-37326440-C-A.
Other names: c.742C>A, p.Leu248Met (NM_001410827.1); short protein forms L248M.
Identifiers: ClinVar variation 2001028 (VCV002001028.4), dbSNP rs2517992295, ClinGen allele CA411407323.